The following is an entry in ClinVar:

ClinVar aggregate classification (germline): Uncertain significance (1 of 4 stars; one submission).

Conditions:
Centromeric instability of chromosomes 1,9 and 16 and immunodeficiency (ICF1). Also called: Immunodeficiency-centromeric instability-facial anomalies; CENTROMERIC INSTABILITY, IMMUNODEFICIENCY SYNDROME; IMMUNE DEFICIENCY, VARIABLE, WITH CENTROMERIC INSTABILITY OF CHROMOSOMES 1, 9, AND 16; IMMUNODEFICIENCY SYNDROME, VARIABLE. Identifiers: Orphanet 2268, MedGen C0398788, MONDO:0000133.

Submission:

Labcorp Genetics (formerly Invitae), Labcorp
Classification: Uncertain significance for Centromeric instability of chromosomes 1,9 and 16 and immunodeficiency. Last evaluated: 2022-05-05. Review status: criteria provided, single submitter. Criteria: Invitae Variant Classification Sherloc (09022015). Collection method: clinical testing. Allele origin: germline.
Comment: This sequence change replaces serine, which is neutral and polar, with glycine, which is neutral and non-polar, at codon 209 of the DNMT3B protein (p.Ser209Gly). This variant is not present in population databases (gnomAD no frequency). This variant has not been reported in the literature in individuals affected with DNMT3B-related conditions. Algorithms developed to predict the effect of missense changes on protein structure and function output the following: SIFT: "Tolerated"; PolyPhen-2: "Benign"; Align-GVGD: "Class C0". The glycine amino acid residue is found in multiple mammalian species, which suggests that this missense change does not adversely affect protein function. In summary, the available evidence is currently insufficient to determine the role of this variant in disease. Therefore, it has been classified as a Variant of Uncertain Significance.

NM_006892.4(DNMT3B):c.625A>G (p.Ser209Gly)

Gene: DNMT3B (DNA methyltransferase 3 beta; plus strand). Cytogenetic location: 20q11.21.
Variant type: single nucleotide variant.
Coding change: c.625A>G on transcript NM_006892.4 (MANE Select); coding-DNA position 625, A replaced by G.
Protein change: p.Ser209Gly; replaces serine 209 with glycine.
Molecular consequence: missense variant.
Genome position (GRCh38, 1-based): chr20:32,787,422, A>G. VCF-style: chr20-32787422-A-G. GRCh37 (hg19) VCF-style: chr20-31375228-A-G.
Other names: c.499A>G, p.Ser167Gly (NM_001207055.2); c.397A>G, p.Ser133Gly (NM_001207056.2); c.625A>G, p.Ser209Gly (NM_175848.2, NM_175849.2); c.661A>G, p.Ser221Gly (NM_175850.3); short protein forms S133G, S209G, S221G, S167G.
Identifiers: ClinVar variation 2134231 (VCV002134231.2), dbSNP rs1278887797, ClinGen allele CA408586949.